The following is an entry in ClinVar:

ClinVar aggregate classification (germline): Uncertain significance. Review status: criteria provided, multiple submitters, no conflicts (2 of 4 stars). 3 submissions from 3 submitters: Uncertain significance (3). Last evaluated 2026-09-01.

Conditions:
DNMT1-related disorder. Also called: DNMT1-related condition. Identifiers: MedGen CN381527.
Hereditary sensory neuropathy-deafness-dementia syndrome. Also called: HSN IE; Hereditary Sensory and Autonomic Neuropathy Type 1E (HSAN1E); Hereditary sensory neuropathy type IE; NEUROPATHY, HEREDITARY SENSORY, WITH HEARING LOSS AND DEMENTIA. Identifiers: Orphanet 456318, MedGen C3279885, MONDO:0013584, OMIM 614116.

Allele frequency attached by ClinVar (database versions not stated): ExAC 0.00001; gnomAD exomes 0.00001 and 0.00003; gnomAD 0.00002; TOPMed 0.00002.

Submissions (3):

PreventionGenetics, part of Exact Sciences
Classification: Uncertain significance for DNMT1-related condition. Last evaluated: 2026-09-01. Review status: criteria provided, single submitter. Criteria: ACMG Guidelines, 2015. Collection method: clinical testing. Allele origin: germline.
Comment: The DNMT1 c.2689A>G variant is predicted to result in the amino acid substitution p.Lys897Glu. To our knowledge, this variant has not been reported in the literature. This variant is reported in 0.0031% of alleles in individuals of European (Non-Finnish) descent in gnomAD. At this time, the clinical significance of this variant is uncertain due to the absence of conclusive functional and genetic evidence.

Labcorp Genetics (formerly Invitae), Labcorp
Classification: Uncertain significance for Hereditary sensory neuropathy-deafness-dementia syndrome. Last evaluated: 2021-12-31. Review status: criteria provided, single submitter. Criteria: Invitae Variant Classification Sherloc (09022015). Collection method: clinical testing. Allele origin: germline.
Comment: This variant is present in population databases (rs746143694, gnomAD 0.003%). In summary, the available evidence is currently insufficient to determine the role of this variant in disease. Therefore, it has been classified as a Variant of Uncertain Significance. Algorithms developed to predict the effect of sequence changes on RNA splicing suggest that this variant may create or strengthen a splice site. Algorithms developed to predict the effect of missense changes on protein structure and function are either unavailable or do not agree on the potential impact of this missense change (SIFT: "Deleterious"; PolyPhen-2: "Benign"; Align-GVGD: "Class C0"). ClinVar contains an entry for this variant (Variation ID: 245596). This variant has not been reported in the literature in individuals affected with DNMT1-related conditions. This sequence change replaces lysine, which is basic and polar, with glutamic acid, which is acidic and polar, at codon 897 of the DNMT1 protein (p.Lys897Glu).

GeneDx
Classification: Uncertain significance. Last evaluated: 2016-02-12. Review status: criteria provided, single submitter. Criteria: GeneDx Variant Classification (06012015). Collection method: clinical testing. Allele origin: germline. Affected: yes.
Comment: The K897E variant has not been published as a pathogenic variant, nor has it been reported as a benign variant to our knowledge. It was not observed in approximately 6,500 individuals of European and African American ancestry in the NHLBI Exome Sequencing Project, indicating it is not a common benign variant in these populations. The K897E variant is a non-conservative amino acid substitution, which is likely to impact secondary protein structure as these residues differ in polarity, charge, size and/or other properties. However, this substitution occurs at a position that is not conserved outside the targeting sequence domain, and in silico analysis predicts this variant likely does not alter the protein structure/function. Therefore, based on the currently available information, it is unclear whether this variant is a pathogenic variant or a rare benign variant.

NM_001130823.3(DNMT1):c.2689A>G (p.Lys897Glu)

Gene: DNMT1 (DNA methyltransferase 1; minus strand). Cytogenetic location: 19p13.2.
Variant type: single nucleotide variant.
Coding change: c.2689A>G on transcript NM_001130823.3 (MANE Select); coding-DNA position 2689, A replaced by G.
Protein change: p.Lys897Glu; replaces lysine 897 with glutamic acid.
Molecular consequence: missense variant.
Genome position (GRCh38, 1-based): chr19:10,148,915, T>C on the plus strand (A>G on the coding strand, the complement: DNMT1 is on the minus strand). VCF-style: chr19-10148915-T-C. GRCh37 (hg19) VCF-style: chr19-10259591-T-C.
Other names: c.2641A>G, p.Lys881Glu (NM_001318730.2, NM_001379.4); c.2326A>G, p.Lys776Glu (NM_001318731.2); c.2689A>G (NM_001130823.2, LRG_362t1); short protein forms K897E, K776E, K881E.
Identifiers: ClinVar variation 245596 (VCV000245596.10), dbSNP rs746143694, ClinGen allele CA9187974.
Genomic context (GRCh38, chr19:10,148,915, plus strand): 5'-CTGACCCCGAGTCCAGCCCCAGTGCTCACTTGAACTTGTTGTCCTCTGTTGGCTGGGTTT[T>C]TGGAGGGGACTCGAATCTCGCGTAGTCTTGATCATACCACAGCTGGTAGAAGTAGGTCTT-3'
Protein context (NP_001124295.1, residues 887-907): QDYARFESPP[Lys897Glu]TQPTEDNKFK